The following is an entry in ClinVar:

ClinVar aggregate classification (germline): Likely pathogenic. Review status: criteria provided, multiple submitters, no conflicts (2 of 4 stars). 3 submissions from 3 submitters: Likely pathogenic (2). 1 of the submissions does not count toward it. Last evaluated 2025-01-15.

Conditions:
Familial cancer of breast. Also called: Hereditary breast cancer; BREAST CANCER, FAMILIAL; hereditary breast carcinoma. Identifiers: Orphanet 227535, MedGen C0346153, MONDO:0016419, OMIM 114480. Disease mechanism: loss of function.
Ataxia-telangiectasia syndrome (AT). Also called: ATAXIA-TELANGIECTASIA, COMPLEMENTATION GROUP A; ATAXIA-TELANGIECTASIA, FRESNO VARIANT; Ataxia-telangiectasia; Ataxia-telangiectasia, complementation group D; AT, COMPLEMENTATION GROUP C; Ataxia-telangiectasia, complementation group E. Identifiers: Orphanet 100, MedGen C0004135, MONDO:0008840, OMIM 208900.

Submissions (3):

Labcorp Genetics (formerly Invitae), Labcorp
Classification: Likely pathogenic for Ataxia-telangiectasia syndrome. Last evaluated: 2025-01-15. Review status: criteria provided, single submitter. Criteria: Invitae Variant Classification Sherloc (09022015). Collection method: clinical testing. Allele origin: germline.
Comment: This sequence change disrupts the translational stop signal of the ATM mRNA. It is expected to extend the length of the ATM protein by 29 additional amino acid residues. This variant is not present in population databases (gnomAD no frequency). This variant has not been reported in the literature in individuals affected with ATM-related conditions. ClinVar contains an entry for this variant (Variation ID: 838778). Algorithms developed to predict the effect of sequence changes on RNA splicing suggest that this variant may create or strengthen a splice site. This variant results in an extension of the ATM protein. Other variant(s) that result in a similarly extended protein product (p.*3057Glyext*29) have been determined to be pathogenic (PMID: 8845835, 17910737). This suggests that these extensions are likely to be disease-causing. In summary, the currently available evidence indicates that the variant is pathogenic, but additional data are needed to prove that conclusively. Therefore, this variant has been classified as Likely Pathogenic.

Myriad Genetics, Inc.
Classification: Likely pathogenic for Familial cancer of breast. Last evaluated: 2024-02-06. Review status: criteria provided, single submitter. Criteria: Myriad Autosomal Dominant, Autosomal Recessive and X-Linked Classification Criteria (2023). Collection method: clinical testing. Allele origin: unknown.
Comment: This variant is considered likely pathogenic. This variant creates a frameshift predicted to result in the incorporation of abnormal amino acid sequence into the protein product and abnormal protein elongation. This variant has been reported in multiple individuals with clinical features of gene-specific disease [PMID: 8845835, 29155101, 17910737, 21665257].

Department of Pathology and Laboratory Medicine, Sinai Health System
Classification: Uncertain significance for Familial cancer of breast. Last evaluated: 2022-08-22. Review status: flagged submission. Criteria: ACMG Guidelines, 2015. Collection method: clinical testing. Allele origin: germline. Affected: yes. Not counted in ClinVar's aggregate classification.
ClinVar note: Reason: Outlier claim with insufficient supporting evidence

Literature cited by the submitters: PubMed 8845835 (cited by Labcorp Genetics (formerly Invitae), Labcorp and Myriad Genetics, Inc.); PubMed 17910737 (cited by Labcorp Genetics (formerly Invitae), Labcorp and Myriad Genetics, Inc.); PubMed 29155101 (cited by Myriad Genetics, Inc.); PubMed 21665257 (cited by Myriad Genetics, Inc.).

NM_000051.4(ATM):c.9169T>C (p.Ter3057Arg)

Genes: ATM (ATM serine/threonine kinase; plus strand), C11orf65 (chromosome 11 open reading frame 65; minus strand). Cytogenetic location: 11q22.3.
Variant type: single nucleotide variant.
Coding change: c.9169T>C on transcript NM_000051.4 (MANE Select); coding-DNA position 9169, T replaced by C.
Protein change: p.Ter3057Arg.
Molecular consequence: stop lost. On other transcripts: intron variant (2).
Genome position (GRCh38, 1-based): chr11:108,365,506, T>C. VCF-style: chr11-108365506-T-C. GRCh37 (hg19) VCF-style: chr11-108236233-T-C.
Other names: *3057R; c.9169T>C, p.Ter3057Arg (NM_001351834.2); c.640+20414A>G (NM_001330368.2); c.694+20414A>G (NM_001351110.2).
Identifiers: ClinVar variation 838778 (VCV000838778.12), dbSNP rs2091262473, ClinGen allele CA382532212.